The following is an entry in ClinVar:

NM_004525.3(LRP2):c.11468_11469del (p.Cys3823fs)

Gene: LRP2 (LDL receptor related protein 2; minus strand). Cytogenetic location: 2q31.1.
Variant type: Deletion.
Coding change: c.11468_11469del on transcript NM_004525.3 (MANE Select); coding-DNA positions 11468 to 11469, 2 bases deleted (GT; older notation c.11468_11469delGT).
Protein change: p.Cys3823fs; shifts the reading frame from cysteine 3823.
Molecular consequence: frameshift variant.
Genome position (GRCh38, 1-based): chr2:169,169,730-169,169,731, AC deleted on the plus strand (GT on the coding strand, the reverse complement: LRP2 is on the minus strand); deleting any 2 consecutive bases within chr2:169,169,730-169,169,732 gives the same sequence; the c. name uses the placement nearest the transcript's 3' end. VCF-style (leftmost placement, unchanged base first): chr2-169169729-AAC-A. GRCh37 (hg19) VCF-style: chr2-170026239-AAC-A.
Other names: short protein forms C3823fs.
Identifiers: ClinVar variation 5014674 (VCV005014674.1).

ClinVar aggregate classification (germline): Pathogenic (1 of 4 stars; one submission).

Conditions:
Donnai-Barrow syndrome. Also called: DBS/FOAR SYNDROME; FACIOOCULOACOUSTICORENAL SYNDROME. Identifiers: Orphanet 2143, MedGen C1857277, MONDO:0009104, OMIM 222448.

Submission:

Myriad Genetics, Inc.
Classification: Pathogenic for Donnai-Barrow syndrome. Last evaluated: 2025-07-02. Review status: criteria provided, single submitter. Criteria: Myriad Autosomal Dominant, Autosomal Recessive and X-Linked Classification Criteria (2023). Collection method: clinical testing. Allele origin: unknown.
Comment: NM_004525.2(LRP2):c.11468_11469delGT(C3823Ffs*5) is expected to be pathogenic in the context of Donnai-Barrow syndrome. This variant is predicted to lead to an abnormal or absent protein product due to the creation of a premature termination codon in LRP2, a gene where loss-of-function variants are known to be pathogenic. Please note: this variant was assessed in the context of healthy population screening.